The following is an entry in ClinVar:

NM_004656.4(BAP1):c.373G>A (p.Glu125Lys)

Gene: BAP1 (BRCA1 associated deubiquitinase 1; minus strand). Cytogenetic location: 3p21.1.
Variant type: single nucleotide variant.
Coding change: c.373G>A on transcript NM_004656.4 (MANE Select); coding-DNA position 373, G replaced by A.
Protein change: p.Glu125Lys; replaces glutamic acid 125 with lysine.
Molecular consequence: missense variant.
Genome position (GRCh38, 1-based): chr3:52,407,960, C>T on the plus strand (G>A on the coding strand, the complement: BAP1 is on the minus strand). VCF-style: chr3-52407960-C-T. GRCh37 (hg19) VCF-style: chr3-52441976-C-T.
Other names: short protein forms E125K.
Identifiers: ClinVar variation 948730 (VCV000948730.7), dbSNP rs1705218683, ClinGen allele CA353111648.

ClinVar aggregate classification (germline): Uncertain significance (1 of 4 stars; one submission).

Conditions:
BAP1-related tumor predisposition syndrome (TPDS1). Also called: Tumor susceptibility linked to germline BAP1 mutations; BAP1 tumor predisposition syndrome; COMMON Syndrome; TUMOR PREDISPOSITION SYNDROME 1. Identifiers: Orphanet 289539, MedGen C3280492, MONDO:0013692, OMIM 614327.

Submission:

Labcorp Genetics (formerly Invitae), Labcorp
Classification: Uncertain significance for BAP1-related tumor predisposition syndrome. Last evaluated: 2024-10-24. Review status: criteria provided, single submitter. Criteria: Invitae Variant Classification Sherloc (09022015). Collection method: clinical testing. Allele origin: germline.
Comment: This sequence change replaces glutamic acid, which is acidic and polar, with lysine, which is basic and polar, at codon 125 of the BAP1 protein (p.Glu125Lys). This variant is not present in population databases (gnomAD no frequency). This variant has not been reported in the literature in individuals affected with BAP1-related conditions. ClinVar contains an entry for this variant (Variation ID: 948730). An algorithm developed to predict the effect of missense changes on protein structure and function (PolyPhen-2) suggests that this variant is likely to be disruptive. In summary, the available evidence is currently insufficient to determine the role of this variant in disease. Therefore, it has been classified as a Variant of Uncertain Significance.